The following is an entry in ClinVar:

ClinVar aggregate classification (germline): Uncertain significance (1 of 4 stars; one submission).

Allele frequency attached by ClinVar (database versions not stated): ExAC 0.00001; gnomAD exomes 0.00001 and 0.00002; gnomAD 0.00009 and 0.00011.
gnomAD v4.1: 21 of 1,609,672 alleles (0.0013%); highest among the groups gnomAD compares: African/African-American, 0.028%; no homozygotes.

Submission:

Labcorp Genetics (formerly Invitae), Labcorp
Classification: Uncertain significance. Last evaluated: 2025-12-26. Review status: criteria provided, single submitter. Criteria: Invitae Variant Classification Sherloc (09022015). Collection method: clinical testing. Allele origin: germline.
Comment: This sequence change replaces proline, which is neutral and non-polar, with serine, which is neutral and polar, at codon 1073 of the PCLO protein (p.Pro1073Ser). This variant is present in population databases (rs766195366, gnomAD 0.03%). This variant has not been reported in the literature in individuals affected with PCLO-related conditions. ClinVar contains an entry for this variant (Variation ID: 1465215). An algorithm developed to predict the effect of missense changes on protein structure and function outputs the following: PolyPhen-2: "Not Available". The serine amino acid residue is found in multiple mammalian species, which suggests that this missense change does not adversely affect protein function. In summary, the available evidence is currently insufficient to determine the role of this variant in disease. Therefore, it has been classified as a Variant of Uncertain Significance.

NM_033026.6(PCLO):c.3217C>T (p.Pro1073Ser)

Gene: PCLO (piccolo presynaptic cytomatrix protein; minus strand). Cytogenetic location: 7q21.11.
Variant type: single nucleotide variant.
Coding change: c.3217C>T on transcript NM_033026.6 (MANE Select); coding-DNA position 3217, C replaced by T.
Protein change: p.Pro1073Ser; replaces proline 1073 with serine.
Molecular consequence: missense variant.
Genome position (GRCh38, 1-based): chr7:83,134,333, G>A on the plus strand (C>T on the coding strand, the complement: PCLO is on the minus strand). VCF-style: chr7-83134333-G-A. GRCh37 (hg19) VCF-style: chr7-82763649-G-A.
Other names: c.3217C>T, p.Pro1073Ser (NM_014510.3); short protein forms P1073S.
Identifiers: ClinVar variation 1465215 (VCV001465215.6), dbSNP rs766195366, ClinGen allele CA4321118.